The following is an entry in ClinVar:

ClinVar aggregate classification (germline): Benign (1 of 4 stars; one submission).

Allele frequency attached by ClinVar (database versions not stated): gnomAD 0.92944 and 0.92996; TOPMed 0.93048; 1000 Genomes Project 30x 0.94363; 1000 Genomes Project 0.94389.
gnomAD v4.1: 141,438 of 152,296 alleles (93%); highest among the groups gnomAD compares: East Asian, 100%; 65,766 homozygotes.

Submission:

GeneDx
Classification: Benign. Last evaluated: 2018-06-19. Review status: criteria provided, single submitter. Criteria: GeneDx Variant Classification (06012015). Collection method: clinical testing. Allele origin: germline. Affected: yes.
Comment: This variant is considered likely benign or benign based on one or more of the following criteria: it is a conservative change, it occurs at a poorly conserved position in the protein, it is predicted to be benign by multiple in silico algorithms, and/or has population frequency not consistent with disease.

NM_001083961.2(WDR62):c.1550+218A>G

Gene: WDR62 (WD repeat domain 62; plus strand). Cytogenetic location: 19q13.12.
Variant type: single nucleotide variant.
Coding change: c.1550+218A>G on transcript NM_001083961.2 (MANE Select); 218 bases into the intron after coding-DNA position 1550, A replaced by G.
Molecular consequence: intron variant.
Genome position (GRCh38, 1-based): chr19:36,083,459, A>G. VCF-style: chr19-36083459-A-G. GRCh37 (hg19) VCF-style: chr19-36574361-A-G.
Other names: c.1550+218A>G (NM_173636.5).
Identifiers: ClinVar variation 670278 (VCV000670278.1), dbSNP rs8105294, ClinGen allele CA14660094.
Genomic context (GRCh38, chr19:36,083,459, plus strand): 5'-AGCTCGTAAGAGGCTTCCAGAAGGGCTGAGAGCAGAGTAACTACCAGGACCTCAGCAGCT[A>G]GGGTGTGCAGATTTTGCCTATAGAGTGTACAGGCAAGCTCACATGACTCTAGGGCAGCGT-3'